The following is an entry in ClinVar:

NM_012210.4(TRIM32):c.741_745dup (p.Ala249fs)

Genes: ASTN2 (astrotactin 2; minus strand), TRIM32 (tripartite motif containing 32; plus strand). Cytogenetic location: 9q33.1.
Variant type: Duplication.
Coding change: c.741_745dup on transcript NM_012210.4 (MANE Select); coding-DNA positions 741 to 745, 5 bases duplicated (GCAGG; older notation c.741_745dupGCAGG).
Protein change: p.Ala249fs; shifts the reading frame from alanine 249.
Molecular consequence: frameshift variant. On other transcripts: intron variant (3).
Genome position (GRCh38, 1-based): chr9:116,698,483-116,698,487, GCAGG duplicated. VCF-style (leftmost placement, unchanged base first): chr9-116698482-A-AGCAGG. GRCh37 (hg19) VCF-style: chr9-119460761-A-AGCAGG.
Other names: c.2653+27284_2653+27288dup (NM_014010.5); c.2794+27284_2794+27288dup (NM_001365069.1); c.2806+27284_2806+27288dup (NM_001365068.1); c.741_745dup, p.Ala249fs (NM_001379049.1, NM_001379050.1, NM_001099679.2 and 1 more transcripts); short protein forms A249fs.
Identifiers: ClinVar variation 2755842 (VCV002755842.3), dbSNP rs771537352, ClinGen allele CA5211038.

ClinVar aggregate classification (germline): Pathogenic (1 of 4 stars; one submission).

Conditions:
Bardet-Biedl syndrome (BBS). Identifiers: Orphanet 110, MedGen C0752166, MONDO:0015229.

Allele frequency attached by ClinVar (database versions not stated): ExAC 0.00001; gnomAD exomes 0.00001.

Submission:

Labcorp Genetics (formerly Invitae), Labcorp
Classification: Pathogenic for Bardet-Biedl syndrome. Last evaluated: 2023-06-01. Review status: criteria provided, single submitter. Criteria: Invitae Variant Classification Sherloc (09022015). Collection method: clinical testing. Allele origin: germline.
Comment: This variant is present in population databases (rs771537352, gnomAD 0.006%). This sequence change creates a premature translational stop signal (p.Ala249Glyfs*5) in the TRIM32 gene. While this is not anticipated to result in nonsense mediated decay, it is expected to disrupt the last 405 amino acid(s) of the TRIM32 protein. This variant has not been reported in the literature in individuals affected with TRIM32-related conditions. For these reasons, this variant has been classified as Pathogenic. This variant disrupts a region of the TRIM32 protein in which other variant(s) (p.Val591Met) have been determined to be pathogenic (PMID: 30823891). This suggests that this is a clinically significant region of the protein, and that variants that disrupt it are likely to be disease-causing.

Literature cited by the submitters: PubMed 30823891.